The following is an entry in ClinVar:

ClinVar aggregate classification (germline): Uncertain significance. Review status: criteria provided, multiple submitters, no conflicts (2 of 4 stars). 6 submissions from 6 submitters: Uncertain significance (5). 1 of the submissions does not count toward it. Last evaluated 2025-07-24.

Conditions:
TTN-related disorder. Also called: TTN-related condition; TTN-related disease; TTN-related disorders.
Cardiovascular phenotype. Identifiers: MedGen CN230736.
Autosomal recessive limb-girdle muscular dystrophy type 2J (LGMDR10). Also called: MUSCULAR DYSTROPHY, LIMB-GIRDLE, AUTOSOMAL RECESSIVE 10; Limb-girdle muscular dystrophy, type 2J. Identifiers: Orphanet 140922, MedGen C1837342, MONDO:0012127, OMIM 608807.
Tibial muscular dystrophy (TMD). Also called: Tibial muscular dystrophy, tardive; Udd Distal Myopathy – Tibial Muscular Dystrophy; UDD MYOPATHY. Identifiers: Orphanet 609, MedGen C1838244, MONDO:0010870, OMIM 600334.
Myopathy, myofibrillar, 9, with early respiratory failure (MFM9). Also called: Myopathy, distal, with early respiratory failure, autosomal dominant; EDSTROM MYOPATHY; MYOPATHY, PROXIMAL, WITH EARLY RESPIRATORY MUSCLE INVOLVEMENT; Hereditary myopathy with early respiratory failure. Identifiers: Orphanet 178464, Orphanet 34521, MedGen C1863599, MONDO:0011362, OMIM 603689.
Dilated cardiomyopathy 1G (CMD1G). Identifiers: Orphanet 154, MedGen C1858763, MONDO:0011400, OMIM 604145.
Early-onset myopathy with fatal cardiomyopathy (CMYO5). Also called: CONGENITAL MYOPATHY 5 WITH CARDIOMYOPATHY; Salih Myopathy. Identifiers: Orphanet 289377, MedGen C2673677, MONDO:0012714, OMIM 611705. Disease mechanism: loss of function.
Hypertrophic cardiomyopathy 9. Also called: Familial hypertrophic cardiomyopathy 9. Identifiers: MedGen C1861065, MONDO:0013412, OMIM 613765.

Allele frequency attached by ClinVar (database versions not stated): gnomAD exomes 0.00001 and 0.00003; ExAC 0.00003; gnomAD 0.00006 and 0.00009; TOPMed 0.00006; ESP Exome Variant Server 0.00015.
gnomAD v4.1: 35 of 1,614,068 alleles (0.0022%); highest among the groups gnomAD compares: Middle Eastern, 0.049%; 1 homozygote.

Submissions (6):

Revvity Omics, Revvity
Classification: Uncertain significance. Last evaluated: 2025-07-24. Review status: criteria provided, single submitter. Criteria: ACMG Guidelines, 2015. Collection method: clinical testing. Allele origin: germline.

Fulgent Genetics
Classification: Uncertain significance for Tibial muscular dystrophy; Myopathy, myofibrillar, 9, with early respiratory failure; Dilated cardiomyopathy 1G; Autosomal recessive limb-girdle muscular dystrophy type 2J; Early-onset myopathy with fatal cardiomyopathy; Hypertrophic cardiomyopathy 9. Last evaluated: 2024-06-12. Review status: criteria provided, single submitter. Criteria: ACMG Guidelines, 2015. Collection method: clinical testing. Allele origin: germline.

Eurofins Ntd Llc (ga)
Classification: Uncertain significance. Last evaluated: 2016-12-01. Review status: criteria provided, single submitter. Criteria: EGL Classification Definitions 2015. Collection method: clinical testing. Allele origin: germline. Observed: 1 variant allele, 1 heterozygote.

Laboratory for Molecular Medicine, Mass General Brigham Personalized Medicine
Classification: Uncertain significance. Last evaluated: 2014-06-30. Review status: criteria provided, single submitter. Criteria: LMM Criteria. Collection method: clinical testing. Allele origin: germline. Observed: 1 variant allele.
Comment: The Gly2386Asp variant in TTN has not been previously reported in individuals wi th cardiomyopathy, but has been identified in 2/4406 African American chromosome s by the NHLBI Exome Sequencing Project (dbSN P rs142926566). Computational prediction tools and conservation analysis suggest that this variant may impact the protein, though this information is not predic tive enough to determine pathogenicity. In summary, the clinical significance of the Gly2386Asp variant is uncertain.

Ambry Genetics
Classification: Uncertain significance for Cardiovascular phenotype. Last evaluated: 2013-01-23. Review status: criteria provided, single submitter. Criteria: Ambry Autosomal Dominant and X-Linked criteria (10/2015). Collection method: clinical testing. Allele origin: germline. Observed: 1 variant allele.
Comment: There is insufficient or conflicting evidence for classification of this alteration.

PreventionGenetics, part of Exact Sciences
Classification: Uncertain significance for TTN-related condition. Last evaluated: 2023-12-13. Review status: no assertion criteria provided. Collection method: clinical testing. Allele origin: germline. Not counted in ClinVar's aggregate classification.
Comment: The TTN c.7157G>A variant is predicted to result in the amino acid substitution p.Gly2386Asp. To our knowledge, this variant has not been reported in the literature. This variant is reported in 0.028% of alleles in individuals of African descent in gnomAD. At this time, the clinical significance of this variant is uncertain due to the absence of conclusive functional and genetic evidence.

NM_001267550.2(TTN):c.7157G>A (p.Gly2386Asp)

Genes: TTN (titin; minus strand), LOC126806433 (BRD4-independent group 4 enhancer GRCh37_chr2:179638309-179639508; plus strand). Cytogenetic location: 2q31.2.
Variant type: single nucleotide variant.
Coding change: c.7157G>A on transcript NM_001267550.2 (MANE Select); coding-DNA position 7157, G replaced by A.
Protein change: p.Gly2386Asp; replaces glycine 2386 with aspartic acid.
Molecular consequence: missense variant.
Genome position (GRCh38, 1-based): chr2:178,774,011, C>T on the plus strand (G>A on the coding strand, the complement: TTN is on the minus strand). VCF-style: chr2-178774011-C-T. GRCh37 (hg19) VCF-style: chr2-179638738-C-T.
Other names: c.7157G>A, p.Gly2386Asp (NM_001256850.1, NM_133379.5, NM_133378.4); c.7019G>A, p.Gly2340Asp (NM_003319.4, NM_133432.3, NM_133437.4); short protein forms G2386D, G2340D.
Identifiers: ClinVar variation 178270 (VCV000178270.17), dbSNP rs142926566, ClinGen allele CA181980.
Genomic context (GRCh38, chr2:178,774,011, plus strand): 5'-TCTATCACAATGTGAACCCTGTCACTGGGCTGCACTTCTTGGCCGTCTTTCATCCAGACG[C>T]CTTCCACACTTTCCAAGGAGACTTTAACTTCAAGCTGAACAATGTCACCCTCACAGACTT-3'
Protein context (NP_001254479.2, residues 2376-2396): EVKVSLESVE[Gly2386Asp]VWMKDGQEVQ